The following is an entry in ClinVar:

NM_014629.4(ARHGEF10):c.873G>C (p.Glu291Asp)

Gene: ARHGEF10 (Rho guanine nucleotide exchange factor 10; plus strand). Cytogenetic location: 8p23.3.
Variant type: single nucleotide variant.
Coding change: c.873G>C on transcript NM_014629.4 (MANE Select); coding-DNA position 873, G replaced by C.
Protein change: p.Glu291Asp; replaces glutamic acid 291 with aspartic acid.
Molecular consequence: missense variant. On other transcripts: intron variant (1).
Genome position (GRCh38, 1-based): chr8:1,880,077, G>C. VCF-style: chr8-1880077-G-C. GRCh37 (hg19) VCF-style: chr8-1828243-G-C.
Other names: c.876G>C, p.Glu292Asp (NM_001308153.3); c.847-2558G>C (NM_001308152.2); short protein forms E316D, E291D, E292D.
Identifiers: ClinVar variation 3781533 (VCV003781533.2).

ClinVar aggregate classification (germline): Uncertain significance. Review status: criteria provided, multiple submitters, no conflicts (2 of 4 stars). 2 submissions from 2 submitters: Uncertain significance (2). Last evaluated 2025-06-18.

gnomAD v4.1: 8 of 1,613,760 alleles (0.0005%); highest among the groups gnomAD compares: African/African-American, 0.004%; no homozygotes.

Submissions (2):

Labcorp Genetics (formerly Invitae), Labcorp
Classification: Uncertain significance. Last evaluated: 2025-06-18. Review status: criteria provided, single submitter. Criteria: Invitae Variant Classification Sherloc (09022015). Collection method: clinical testing. Allele origin: germline.
Comment: This sequence change replaces glutamic acid, which is acidic and polar, with aspartic acid, which is acidic and polar, at codon 291 of the ARHGEF10 protein (p.Glu291Asp). This variant is not present in population databases (gnomAD no frequency). This variant has not been reported in the literature in individuals affected with ARHGEF10-related conditions. ClinVar contains an entry for this variant (Variation ID: 3781533). An algorithm developed to predict the effect of missense changes on protein structure and function (PolyPhen-2) suggests that this variant is likely to be tolerated. In summary, the available evidence is currently insufficient to determine the role of this variant in disease. Therefore, it has been classified as a Variant of Uncertain Significance.

Ambry Genetics
Classification: Uncertain significance. Last evaluated: 2025-02-03. Review status: criteria provided, single submitter. Criteria: Ambry Variant Classification Scheme 2023. Collection method: clinical testing. Allele origin: germline.